The following is an entry in ClinVar:

ClinVar aggregate classification (germline): Likely pathogenic. Review status: criteria provided, single submitter (1 of 4 stars). 2 submissions from 2 submitters: Likely pathogenic (1). 1 of the submissions does not count toward it. Last evaluated 2022-05-04.

Conditions:
Autosomal recessive congenital ichthyosis 2 (ARCI2). Identifiers: Orphanet 281122, Orphanet 79394, MedGen C3888093, MONDO:0009439, OMIM 242100.
Lamellar ichthyosis. Identifiers: Orphanet 313, MedGen C5848247, MONDO:0017778.

Submissions (2):

Women's Health and Genetics/Laboratory Corporation of America, LabCorp
Classification: Likely pathogenic for Lamellar ichthyosis. Last evaluated: 2022-05-04. Review status: criteria provided, single submitter. Criteria: LabCorp Variant Classification Summary - May 2015. Collection method: clinical testing. Allele origin: germline.
Comment: Variant summary: ALOX12B c.416_417delCC (p.Ala139GlufsX37) results in a premature termination codon, predicted to cause a truncation of the encoded protein or absence of the protein due to nonsense mediated decay, which are commonly known mechanisms for disease. Truncations downstream of this position have been reported in affected individuals (HGMD). The variant was absent in 250612 control chromosomes (gnomAD). c.416_417delCC has been reported in the literature in a homozygous individual affected with congenital ichthyosis, however no further phenotype details were provided (Hotz_2021). These data indicate that the variant may be associated with disease. To our knowledge, no experimental evidence demonstrating an impact on protein function has been reported. One submitter has provided clinical-significance assessments for this variant in ClinVar after 2014 without evidence for independent evaluation, and classified the variant as pathogenic. Based on the evidence outlined above, the variant was classified as likely pathogenic.

Institute for Human Genetics, University Medical Center Freiburg
Classification: Pathogenic for Autosomal recessive congenital ichthyosis 2. Last evaluated: 2021-01-07. Review status: no assertion criteria provided. Collection method: clinical testing. Allele origin: unknown. Affected: yes. Not counted in ClinVar's aggregate classification.

Literature cited by the submitters: PubMed 33435499 (cited by Women's Health and Genetics/Laboratory Corporation of America, LabCorp).

NM_001139.3(ALOX12B):c.416_417del (p.Ala139fs)

Gene: ALOX12B (arachidonate 12-lipoxygenase, 12R type; minus strand). Cytogenetic location: 17p13.1.
Variant type: Deletion.
Coding change: c.416_417del on transcript NM_001139.3 (MANE Select); coding-DNA positions 416 to 417, 2 bases deleted (CC; older notation c.416_417delCC).
Protein change: p.Ala139fs; shifts the reading frame from alanine 139.
Molecular consequence: frameshift variant.
Genome position (GRCh38, 1-based): chr17:8,081,123-8,081,124, GG deleted on the plus strand (CC on the coding strand, the reverse complement: ALOX12B is on the minus strand). VCF-style (leftmost placement, unchanged base first): chr17-8081122-TGG-T. GRCh37 (hg19) VCF-style: chr17-7984440-TGG-T.
Other names: c.416_417delCC (NM_001139.2); short protein forms A139fs.
Identifiers: ClinVar variation 995765 (VCV000995765.3), dbSNP rs1977208852, ClinGen allele CA1139665189.